The following is an entry in ClinVar:

ClinVar aggregate classification (germline): Uncertain significance (1 of 4 stars; one submission).

Conditions:
Inborn genetic diseases. Identifiers: MedGen C0950123, MeSH D030342.

Submission:

Ambry Genetics
Classification: Uncertain significance for Inborn genetic diseases. Last evaluated: 2020-03-27. Review status: criteria provided, single submitter. Criteria: Ambry Variant Classification Scheme 2023. Collection method: clinical testing. Allele origin: germline.
Comment: The p.S325F variant (also known as c.974C>T), located in coding exon 2 of the HOXA1 gene, results from a C to T substitution at nucleotide position 974. The serine at codon 325 is replaced by phenylalanine, an amino acid with highly dissimilar properties. This amino acid position is highly conserved in available vertebrate species. In addition, the in silico prediction for this alteration is inconclusive. Since supporting evidence is limited at this time, the clinical significance of this alteration remains unclear.

NM_005522.5(HOXA1):c.974C>T (p.Ser325Phe)

Gene: HOXA1 (homeobox A1; minus strand). Cytogenetic location: 7p15.2.
Variant type: single nucleotide variant.
Coding change: c.974C>T on transcript NM_005522.5 (MANE Select); coding-DNA position 974, C replaced by T.
Protein change: p.Ser325Phe; replaces serine 325 with phenylalanine.
Molecular consequence: missense variant. On other transcripts: 3 prime UTR variant (1).
Genome position (GRCh38, 1-based): chr7:27,094,474, G>A on the plus strand (C>T on the coding strand, the complement: HOXA1 is on the minus strand). VCF-style: chr7-27094474-G-A. GRCh37 (hg19) VCF-style: chr7-27134093-G-A.
Other names: c.*357C>T (NM_153620.3); short protein forms S325F.
Identifiers: ClinVar variation 1768070 (VCV001768070.2), dbSNP rs2534495449, ClinGen allele CA367067351.